The following is an entry in ClinVar:

NM_004999.4(MYO6):c.2287-2A>G

Gene: MYO6 (myosin VI; plus strand). Cytogenetic location: 6q14.1.
Variant type: single nucleotide variant.
Coding change: c.2287-2A>G on transcript NM_004999.4 (MANE Select); the canonical splice acceptor site of the intron before coding-DNA position 2287, A replaced by G.
Molecular consequence: splice acceptor variant.
Genome position (GRCh38, 1-based): chr6:75,881,687, A>G. VCF-style: chr6-75881687-A-G. GRCh37 (hg19) VCF-style: chr6-76591404-A-G.
Other names: c.2287-2A>G (NM_001368865.1, NM_001368866.1, NM_001368137.1 and 2 more transcripts); c.2272-2A>G (NM_001368138.1).
Identifiers: ClinVar variation 1693367 (VCV001693367.3), dbSNP rs2149347420, ClinGen allele CA364773801.

ClinVar aggregate classification (germline): Pathogenic (1 of 4 stars; one submission).

Submission:

GeneDx
Classification: Pathogenic. Last evaluated: 2026-08-05. Review status: criteria provided, single submitter. Criteria: GeneDx Variant Classification Process June 2021. Collection method: clinical testing. Allele origin: germline.
Comment: Canonical splice site variant predicted to result in a null allele in a gene for which loss of function is a known mechanism of disease; Not observed in large population cohorts (gnomAD); This variant is associated with the following publications: (PMID: 27911912, 34599366, 32143290)